The following is an entry in ClinVar:

ClinVar aggregate classification (germline): Uncertain significance (1 of 4 stars; one submission).

Conditions:
D-2-hydroxyglutaric aciduria 1 (D2HGA1). Identifiers: Orphanet 79315, MedGen C3152055, MONDO:0024554, OMIM 600721.

Allele frequency attached by ClinVar (database versions not stated): gnomAD 0.00002; ExAC 0.00003; gnomAD exomes 0.00003; TOPMed 0.00005; ESP Exome Variant Server 0.00015.
gnomAD v4.1: 41 of 1,612,024 alleles (0.0025%); highest among the groups gnomAD compares: Non-Finnish European, 0.0031%; no homozygotes.

Submission:

Labcorp Genetics (formerly Invitae), Labcorp
Classification: Uncertain significance for D-2-hydroxyglutaric aciduria 1. Last evaluated: 2022-05-23. Review status: criteria provided, single submitter. Criteria: Invitae Variant Classification Sherloc (09022015). Collection method: clinical testing. Allele origin: germline.
Comment: This variant has not been reported in the literature in individuals affected with D2HGDH-related conditions. This variant is present in population databases (rs141809405, gnomAD 0.009%). This sequence change replaces threonine, which is neutral and polar, with methionine, which is neutral and non-polar, at codon 465 of the D2HGDH protein (p.Thr465Met). In summary, the available evidence is currently insufficient to determine the role of this variant in disease. Therefore, it has been classified as a Variant of Uncertain Significance. Algorithms developed to predict the effect of missense changes on protein structure and function are either unavailable or do not agree on the potential impact of this missense change (SIFT: "Deleterious"; PolyPhen-2: "Probably Damaging"; Align-GVGD: "Class C0").

NM_152783.5(D2HGDH):c.1394C>T (p.Thr465Met)

Gene: D2HGDH (D-2-hydroxyglutarate dehydrogenase; plus strand). Cytogenetic location: 2q37.3.
Variant type: single nucleotide variant.
Coding change: c.1394C>T on transcript NM_152783.5 (MANE Select); coding-DNA position 1394, C replaced by T.
Protein change: p.Thr465Met; replaces threonine 465 with methionine.
Molecular consequence: missense variant. On other transcripts: non-coding transcript variant (1).
Genome position (GRCh38, 1-based): chr2:241,767,797, C>T. VCF-style: chr2-241767797-C-T. GRCh37 (hg19) VCF-style: chr2-242707212-C-T.
Other names: c.992C>T, p.Thr331Met (NM_001287249.2); c.833C>T, p.Thr278Met (NM_001352824.2); short protein forms T331M, T278M, T465M.
Identifiers: ClinVar variation 2059066 (VCV002059066.4), dbSNP rs141809405, ClinGen allele CA2222222.